The following is an entry in ClinVar:

ClinVar aggregate classification (germline): Likely pathogenic (1 of 4 stars; one submission).

Submission:

Labcorp Genetics (formerly Invitae), Labcorp
Classification: Likely pathogenic. Last evaluated: 2023-01-26. Review status: criteria provided, single submitter. Criteria: Invitae Variant Classification Sherloc (09022015). Collection method: clinical testing. Allele origin: germline.
Comment: Advanced modeling of protein sequence and biophysical properties (such as structural, functional, and spatial information, amino acid conservation, physicochemical variation, residue mobility, and thermodynamic stability) performed at Invitae indicates that this missense variant is expected to disrupt TSHR protein function. This sequence change replaces arginine, which is basic and polar, with glycine, which is neutral and non-polar, at codon 519 of the TSHR protein (p.Arg519Gly). This variant is not present in population databases (gnomAD no frequency). This missense change has been observed in individual(s) with clinical features of hypothyroidism (PMID: 16756469). It has also been observed to segregate with disease in related individuals. Experimental studies have shown that this missense change affects TSHR function (PMID: 16756469). This variant disrupts the p.Arg519 amino acid residue in TSHR. Other variant(s) that disrupt this residue have been determined to be pathogenic (PMID: 11442002, 21677043). This suggests that this residue is clinically significant, and that variants that disrupt this residue are likely to be disease-causing. In summary, the currently available evidence indicates that the variant is pathogenic, but additional data are needed to prove that conclusively. Therefore, this variant has been classified as Likely Pathogenic.

Literature cited by the submitters: PubMed 16756469; PubMed 11442002; PubMed 21677043.

NM_000369.5(TSHR):c.1555C>G (p.Arg519Gly)

Genes: TSHR (thyroid stimulating hormone receptor; plus strand), TSHR-AS1 (TSHR antisense RNA 1; minus strand). Cytogenetic location: 14q31.1.
Variant type: single nucleotide variant.
Coding change: c.1555C>G on transcript NM_000369.5 (MANE Select); coding-DNA position 1555, C replaced by G.
Protein change: p.Arg519Gly; replaces arginine 519 with glycine.
Molecular consequence: missense variant.
Genome position (GRCh38, 1-based): chr14:81,143,613, C>G. VCF-style: chr14-81143613-C-G. GRCh37 (hg19) VCF-style: chr14-81609957-C-G.
Other names: short protein forms R519G.
Identifiers: ClinVar variation 2736133 (VCV002736133.3), dbSNP rs756016910, ClinGen allele CA390728140.